The following is an entry in ClinVar:

ClinVar aggregate classification (germline): Likely benign (1 of 4 stars; one submission).

gnomAD v4.1: 298 of 1,614,098 alleles (0.018%); highest among the groups gnomAD compares: African/African-American, 0.27%; no homozygotes.

Submission:

CeGaT Center for Human Genetics Tuebingen
Classification: Likely benign. Last evaluated: 2026-04-01. Review status: criteria provided, single submitter. Criteria: CeGaT Center For Human Genetics Tuebingen Variant Classification Criteria Version 2. Collection method: clinical testing. Allele origin: germline. Affected: yes. Observed: 1 variant allele.
Comment: DPYSL5: BP4, BP7

NM_020134.4(DPYSL5):c.1488C>T (p.Val496=)

Gene: DPYSL5 (dihydropyrimidinase like 5; plus strand). Cytogenetic location: 2p23.3.
Variant type: single nucleotide variant.
Coding change: c.1488C>T on transcript NM_020134.4 (MANE Select); coding-DNA position 1488, C replaced by T.
Protein change: p.Val496=; no amino-acid change (valine 496 retained).
Molecular consequence: synonymous variant.
Genome position (GRCh38, 1-based): chr2:26,944,703, C>T. VCF-style: chr2-26944703-C-T. GRCh37 (hg19) VCF-style: chr2-27167571-C-T.
Other names: c.1488C>T, p.Val496= (NM_001253723.2, NM_001253724.2).
Identifiers: ClinVar variation 4873403 (VCV004873403.2).